The following is an entry in ClinVar:

NM_020436.5(SALL4):c.2650G>A (p.Ala884Thr)

Gene: SALL4 (spalt like transcription factor 4; minus strand). Cytogenetic location: 20q13.2.
Variant type: single nucleotide variant.
Coding change: c.2650G>A on transcript NM_020436.5 (MANE Select); coding-DNA position 2650, G replaced by A.
Protein change: p.Ala884Thr; replaces alanine 884 with threonine.
Molecular consequence: missense variant.
Genome position (GRCh38, 1-based): chr20:51,788,953, C>T on the plus strand (G>A on the coding strand, the complement: SALL4 is on the minus strand). VCF-style: chr20-51788953-C-T. GRCh37 (hg19) VCF-style: chr20-50405492-C-T.
Other names: c.1339G>A, p.Ala447Thr (NM_001318031.2); short protein forms A447T, A884T.
Identifiers: ClinVar variation 3705196 (VCV003705196.2).
Genomic context (GRCh38, chr20:51,788,953, plus strand): 5'-CACAAATGTTGCACACAAAAGGCTTCTCTCCAGTGTGAGTCCGCTCGTGGATCTGAAGAG[C>T]GCTAGCAGACGAGAAGTTCTTCCCACACCGTGTGCAGCCATGTTGCTTGGCCTGTCGGCG-3'
Protein context (NP_065169.1, residues 874-894): RCGKNFSSAS[Ala884Thr]LQIHERTHTG

ClinVar aggregate classification (germline): Uncertain significance (1 of 4 stars; one submission).

Conditions:
Duane-radial ray syndrome (DRRS). Also called: ACRORENOOCULAR SYNDROME; DR SYNDROME; DUANE ANOMALY WITH RADIAL RAY ABNORMALITIES AND DEAFNESS; Okihiro Syndrome; Duane-Radial Ray Syndrome (DRRS) / Okihiro Syndrome; Duane-Radial Ray Syndrome/Okihiro Syndrome. Identifiers: Orphanet 93293, Orphanet 959, MedGen C1623209, MONDO:0011812, OMIM 607323. Disease mechanism: gain of function.

gnomAD v4.1: 3 of 1,614,190 alleles (0.00019%); highest among the groups gnomAD compares: East Asian, 0.0022%; no homozygotes.

Submission:

Labcorp Genetics (formerly Invitae), Labcorp
Classification: Uncertain significance for Duane-radial ray syndrome. Last evaluated: 2024-07-31. Review status: criteria provided, single submitter. Criteria: Invitae Variant Classification Sherloc (09022015). Collection method: clinical testing. Allele origin: germline.
Comment: This sequence change replaces alanine, which is neutral and non-polar, with threonine, which is neutral and polar, at codon 884 of the SALL4 protein (p.Ala884Thr). This variant is present in population databases (rs769292363, gnomAD 0.006%). This missense change has been observed in individual(s) with hemifacial microsomia (PMID: 34079577). An algorithm developed to predict the effect of missense changes on protein structure and function (PolyPhen-2) suggests that this variant is likely to be disruptive. In summary, the available evidence is currently insufficient to determine the role of this variant in disease. Therefore, it has been classified as a Variant of Uncertain Significance.

Literature cited by the submitters: PubMed 34079577.